The following is an entry in ClinVar:

GRCh37/hg19 20q11.21-11.23(chr20:29833535-34815537)x3

Genes: ACSS2 (acyl-CoA synthetase short chain family member 2; plus strand), ACTL10 (actin like 10; plus strand), AHCY (adenosylhomocysteinase; minus strand), ASIP (agouti signaling protein; plus strand), ASXL1 (ASXL transcriptional regulator 1; plus strand) and 83 more. Cytogenetic location: 20q11.21-11.23.
Variant type: copy number gain.
Change: copy number 3 (three copies instead of two) of chr20:29,833,535-34,815,537 (4.98 Mb, GRCh37 coordinates, 1-based), cytogenetic band 20q11.21-11.23.
Identifiers: ClinVar variation 1808687 (VCV001808687.1).

ClinVar aggregate classification (germline): Likely pathogenic (1 of 4 stars; one submission).

Submission:

Quest Diagnostics Nichols Institute San Juan Capistrano
Classification: Likely pathogenic. Last evaluated: 2022-06-01. Review status: criteria provided, single submitter. Criteria: ACMG/ClinGen CNV Guidelines, 2019. Collection method: clinical testing. Allele origin: unknown.
Comment: The copy number gain of 20q11.21q11.23 involves numerous protein-coding genes, including ASXL1 (OMIM 612990) and multiple exons (NM_012156.2) of the 5' portion of EPB41L1 (OMIM 602879). It is not clear whether expression of EPB41L1 has been disrupted by this partial gain. One patient with autosomal dominant intellectual development disorder-11 (MRD11; OMIM 614257) has been found to have a missense variant in the EPB41L1 gene. There are 9 additional genes in this interval associated with autosomal dominant disorders in OMIM, including: ASXL1, MYLK2 (OMIM 606566), POFUT1 (OMIM 607491), KIF3B (OMIM 603754), DNMT3B (OMIM 602900), SNTA1 (OMIM 601017), CHMP4B (OMIM 610897), GDF5 (OMIM 601146), and RBM12 (OMIM 607179). Furthermore, copy number gains that partially overlap the current interval have been associated with 20q11.2 microduplication syndrome, which is characterized by metopic ridging/trigonocephaly, developmental delay, epicanthal folds, and short hands (Avila 2013). It is hypothesized that the involvement of the ASXL1 gene explains at least a part of this phenotype; however, the reported gains associated with this microduplication syndrome contain additional genetic material in comparison to the current interval (D'Angelo 2018, Goetzinger 2021, Gurkan 2020). Otherwise, copy number gains of this particular interval have not yet been associated with a specific clinical phenotype, yet there are no similar copy number gains of this region in the general populations of the Database of Genomic Variants. Thus, based on current medical literature and gene content, this copy number variant (CNV) is interpreted as likely pathogenic. References: Avila et al., Am J Med Genet A. 2013 Jul;161A(7):1594-8. PMID: 23704076. D'Angelo et al., Mol Cytogenet. 2018 Feb 5;11:14. PMID: 29441128. Goetzinger et al., Mol Genet Genomic Med. 2021 Aug;9(8):e1755. PMID: 34268909. Gurkan et al., Noro Psikiyatr Ars. 2020 May 5;57(3):177-191. PMID: 32952419.